The following is an entry in ClinVar:

NM_024675.4(PALB2):c.3514C>G (p.Leu1172Val)

Gene: PALB2 (partner and localizer of BRCA2; minus strand). Cytogenetic location: 16p12.2.
Variant type: single nucleotide variant.
Coding change: c.3514C>G on transcript NM_024675.4 (MANE Select); coding-DNA position 3514, C replaced by G.
Protein change: p.Leu1172Val; replaces leucine 1172 with valine.
Molecular consequence: missense variant.
Genome position (GRCh38, 1-based): chr16:23,603,506, G>C on the plus strand (C>G on the coding strand, the complement: PALB2 is on the minus strand). VCF-style: chr16-23603506-G-C. GRCh37 (hg19) VCF-style: chr16-23614827-G-C.
Other names: short protein forms L1172V.
Identifiers: ClinVar variation 918833 (VCV000918833.11), dbSNP rs1966396230, ClinGen allele CA395137857.

ClinVar aggregate classification (germline): Uncertain significance. Review status: criteria provided, multiple submitters, no conflicts (2 of 4 stars). 4 submissions from 4 submitters: Uncertain significance (4). Last evaluated 2025-12-14.

Conditions:
Hereditary cancer-predisposing syndrome. Also called: Neoplastic Syndromes, Hereditary; Tumor predisposition; Hereditary Cancer Syndrome; Hereditary neoplastic syndrome. Identifiers: Orphanet 140162, MedGen C0027672, MeSH D009386, MONDO:0015356.
Familial cancer of breast. Also called: BREAST CANCER, FAMILIAL; Hereditary breast cancer; hereditary breast carcinoma. Identifiers: Orphanet 227535, MedGen C0346153, MONDO:0016419, OMIM 114480. Disease mechanism: loss of function.

Submissions (4):

Labcorp Genetics (formerly Invitae), Labcorp
Classification: Uncertain significance for Familial cancer of breast. Last evaluated: 2025-12-14. Review status: criteria provided, single submitter. Criteria: Invitae Variant Classification Sherloc (09022015). Collection method: clinical testing. Allele origin: germline.
Comment: This sequence change replaces leucine, which is neutral and non-polar, with valine, which is neutral and non-polar, at codon 1172 of the PALB2 protein (p.Leu1172Val). This variant is not present in population databases (gnomAD no frequency). This variant has not been reported in the literature in individuals affected with PALB2-related conditions. ClinVar contains an entry for this variant (Variation ID: 918833). An algorithm developed to predict the effect of missense changes on protein structure and function (PolyPhen-2) suggests that this variant is likely to be disruptive. In summary, the available evidence is currently insufficient to determine the role of this variant in disease. Therefore, it has been classified as a Variant of Uncertain Significance.

Ambry Genetics
Classification: Uncertain significance for Hereditary cancer-predisposing syndrome. Last evaluated: 2024-12-08. Review status: criteria provided, single submitter. Criteria: Ambry Variant Classification Scheme 2023. Collection method: clinical testing. Allele origin: germline.
Comment: The p.L1172V variant (also known as c.3514C>G), located in coding exon 13 of the PALB2 gene, results from a C to G substitution at nucleotide position 3514. The leucine at codon 1172 is replaced by valine, an amino acid with highly similar properties. This amino acid position is conserved. In addition, this alteration is predicted to be tolerated by in silico analysis. Since supporting evidence is limited at this time, the clinical significance of this alteration remains unclear.

Baylor Genetics
Classification: Uncertain significance for Familial cancer of breast. Last evaluated: 2024-03-01. Review status: criteria provided, single submitter. Criteria: ACMG Guidelines, 2015. Collection method: clinical testing. Allele origin: unknown.

Color Diagnostics, LLC DBA Color Health
Classification: Uncertain significance for Hereditary cancer-predisposing syndrome. Last evaluated: 2023-12-04. Review status: criteria provided, single submitter. Criteria: ACMG Guidelines, 2015. Collection method: clinical testing. Allele origin: germline.
Comment: This missense variant replaces leucine with valine at codon 1172 of the PALB2 protein. Computational prediction suggests that this variant may not impact protein structure and function (internally defined REVEL score threshold <= 0.5, PMID: 27666373). To our knowledge, functional studies have not been reported for this variant. This variant has not been reported in individuals affected with PALB2-related disorders in the literature. This variant has not been identified in the general population by the Genome Aggregation Database (gnomAD). The available evidence is insufficient to determine the role of this variant in disease conclusively. Therefore, this variant is classified as a Variant of Uncertain Significance.